The following is an entry in ClinVar:

ClinVar aggregate classification (germline): Pathogenic (1 of 4 stars; one submission).

Conditions:
Familial intrahepatic cholestasis. Identifiers: Orphanet 284385, MedGen CN296401, MONDO:0017290.

Submission:

Genomenon, Inc
Classification: Pathogenic for Familial intrahepatic cholestasis. Last evaluated: 2026-04-14. Review status: criteria provided, single submitter. Criteria: Genomenon Sequence Variant Interpretation Standards - Updated. Collection method: curation. Allele origin: germline. Affected: yes.
Comment: ABCB11 p.Trp898GlyfsTer3 (c.2692del) is a frameshift variant that results in the production of a truncated protein which is predicted to undergo nonsense-mediated mRNA decay. This variant has been observed in at least one proband with an ABCB11-related disorder (PMID:32087350). It is absent or not present at a significant frequency in gnomAD. In conclusion, we classify ABCB11 p.Trp898GlyfsTer3 (c.2692del) as a pathogenic variant.

Literature cited by the submitters: PubMed 32087350.

NM_003742.4(ABCB11):c.2692del (p.Trp898fs)

Genes: ABCB11 (ATP binding cassette subfamily B member 11; minus strand), LOC126806400 (CDK7 strongly-dependent group 2 enhancer GRCh37_chr2:169791870-169793069; plus strand). Cytogenetic location: 2q31.1.
Variant type: Deletion.
Coding change: c.2692del on transcript NM_003742.4 (MANE Select); coding-DNA position 2692, one base deleted (T; older notation c.2692delT).
Protein change: p.Trp898fs; shifts the reading frame from tryptophan 898.
Molecular consequence: frameshift variant.
Genome position (GRCh38, 1-based): chr2:168,936,352, A deleted on the plus strand (T on the coding strand, the reverse complement: ABCB11 is on the minus strand). VCF-style (leftmost placement, unchanged base first): chr2-168936351-CA-C. GRCh37 (hg19) VCF-style: chr2-169792861-CA-C.
Other names: short protein forms W898fs.
Identifiers: ClinVar variation 4846220 (VCV004846220.1).